The following is an entry in ClinVar:

NM_019045.5(WDR44):c.2017C>T (p.Arg673Cys)

Gene: WDR44 (WD repeat domain 44; plus strand). Cytogenetic location: Xq24.
Variant type: single nucleotide variant.
Coding change: c.2017C>T on transcript NM_019045.5 (MANE Select); coding-DNA position 2017, C replaced by T.
Protein change: p.Arg673Cys; replaces arginine 673 with cysteine.
Molecular consequence: missense variant. On other transcripts: intron variant (1).
Genome position (GRCh38, 1-based): chrX:118,441,410, C>T. VCF-style: chrX-118441410-C-T. GRCh37 (hg19) VCF-style: chrX-117575373-C-T.
Other names: c.2017C>T, p.Arg673Cys (NM_001184965.2); c.1900-834C>T (NM_001184966.1); short protein forms R673C.
Identifiers: ClinVar variation 3769900 (VCV003769900.1).
Genomic context (GRCh38, chrX:118,441,410, plus strand): 5'-CTGTTGCCACCTCTTTAGGATGACAGGTATTTTCTAAGTGGGTCTTTGGATGGAAAGCTC[C>T]GCCTTTGGAACATACCTGACAAAAAAGTGGCTTTGTGGAATGAAGTAGATGGTCAGACAA-3'
Protein context (NP_061918.3, residues 663-683): FLSGSLDGKL[Arg673Cys]LWNIPDKKVA

ClinVar aggregate classification (germline): Uncertain significance (1 of 4 stars; one submission).

gnomAD v4.1: 5 of 1,206,360 alleles (0.00041%); highest among the groups gnomAD compares: Non-Finnish European, 0.00056%; no homozygotes.

Submission:

GeneDx
Classification: Uncertain significance. Last evaluated: 2024-09-16. Review status: criteria provided, single submitter. Criteria: GeneDx Variant Classification Process June 2021. Collection method: clinical testing. Allele origin: germline. Affected: yes.
Comment: Not observed at significant frequency in large population cohorts (gnomAD); In silico analysis supports that this missense variant has a deleterious effect on protein structure/function; Has not been previously published as pathogenic or benign to our knowledge